The following is an entry in ClinVar:

ClinVar aggregate classification (germline): Conflicting classifications of pathogenicity. Review status: criteria provided, conflicting classifications (1 of 4 stars). 8 submissions from 8 submitters: Uncertain significance (5); Likely benign (1). 2 of the submissions do not count toward it. Last evaluated 2025-08-24.

Conditions:
Hereditary cancer-predisposing syndrome. Also called: Neoplastic Syndromes, Hereditary; Tumor predisposition; Hereditary neoplastic syndrome; Hereditary Cancer Syndrome. Identifiers: Orphanet 140162, MedGen C0027672, MeSH D009386, MONDO:0015356.
Hereditary breast ovarian cancer syndrome. Also called: Hereditary breast and ovarian cancer syndrome; Hereditary breast and ovarian cancer; Hereditary breast and ovarian cancer syndrome (HBOC); Breast and ovarian cancer; Hereditary breast and/or ovarian cancer syndrome; BRCA1- and BRCA2-Associated Hereditary Breast and Ovarian Cancer. Identifiers: Orphanet 145, MedGen C0677776, MeSH D061325, MONDO:0003582. Disease mechanism: loss of function.
Familial cancer of breast. Also called: BREAST CANCER, FAMILIAL; Hereditary breast cancer; hereditary breast carcinoma. Identifiers: Orphanet 227535, MedGen C0346153, MONDO:0016419, OMIM 114480. Disease mechanism: loss of function.
BRCA2-related cancer predisposition. Identifiers: MedGen CN377758, MONDO:0700269.
Breast-ovarian cancer, familial, susceptibility to, 2 (BROVCA2). Also called: BRCA2 Hereditary Breast and Ovarian Cancer. Identifiers: Orphanet 145, MedGen C2675520, MONDO:0012933, OMIM 612555. Disease mechanism: loss of function.

Allele frequency attached by ClinVar (database versions not stated): gnomAD exomes below 0.00001.
gnomAD v4.1: 6 of 1,614,170 alleles (0.00037%); highest among the groups gnomAD compares: Non-Finnish European, 0.00051%; no homozygotes.

Submissions (8):

Labcorp Genetics (formerly Invitae), Labcorp
Classification: Uncertain significance for Hereditary breast ovarian cancer syndrome. Last evaluated: 2025-08-24. Review status: criteria provided, single submitter. Criteria: Invitae Variant Classification Sherloc (09022015). Collection method: clinical testing. Allele origin: germline.
Comment: This sequence change replaces proline, which is neutral and non-polar, with alanine, which is neutral and non-polar, at codon 2639 of the BRCA2 protein (p.Pro2639Ala). This variant is not present in population databases (gnomAD no frequency). This variant has not been reported in the literature in individuals affected with BRCA2-related conditions. ClinVar contains an entry for this variant (Variation ID: 52434). Invitae Evidence Modeling incorporating data from in vitro experimental studies (PMID: 33609447) indicates that this missense variant is not expected to disrupt BRCA2 function with a negative predictive value of 95%. Experimental studies have shown that this missense change does not substantially affect BRCA2 function (PMID: 29394989). In summary, the available evidence is currently insufficient to determine the role of this variant in disease. Therefore, it has been classified as a Variant of Uncertain Significance.

All of Us Research Program, National Institutes of Health
Classification: Uncertain significance for BRCA2-related cancer predisposition. Last evaluated: 2024-03-24. Review status: criteria provided, single submitter. Criteria: ACMG Guidelines, 2015. Collection method: clinical testing. Allele origin: germline. Inheritance: Autosomal dominant inheritance. Observed: 1 variant allele, 1 heterozygote.
Comment: This missense variant replaces proline with alanine at codon 2639 of the BRCA2 protein. Computational prediction suggests that this variant may have deleterious impact on protein structure and function (internally defined REVEL score threshold >= 0.7, PMID: 27666373). Functional studies have shown this variant does not impact homology-directed DNA repair (PMID: 29394989, 35736817). This variant has been reported in an unaffected individual (PMID: 33471991; Leiden Open Variation Database DB-ID BRCA2_000240) and in a multifactorial analysis with family history, pathology, and co-segregation likelihood ratios for pathogenicity of 0.15, 0.61, and 0.03, respectively (PMID: 34597585). This variant has not been identified in the general population by the Genome Aggregation Database (gnomAD). The available evidence is insufficient to determine the role of this variant in disease conclusively. Therefore, this variant is classified as a Variant of Uncertain Significance.

This study involves interpretation of variants in research participants for the purpose of population health screening. Participant phenotype was not available at the time of variant classification. Additional details can be found in publication PMID: 35346344, PMCID: PMC8962531

Color Diagnostics, LLC DBA Color Health
Classification: Uncertain significance for Hereditary cancer-predisposing syndrome. Last evaluated: 2023-11-06. Review status: criteria provided, single submitter. Criteria: ACMG Guidelines, 2015. Collection method: clinical testing. Allele origin: germline.
Comment: This missense variant replaces proline with alanine at codon 2639 of the BRCA2 protein. Computational prediction suggests that this variant may have deleterious impact on protein structure and function (internally defined REVEL score threshold >= 0.7, PMID: 27666373). Functional studies have shown this variant does not impact homology-directed DNA repair (PMID: 29394989, 35736817). This variant has been reported in an unaffected individual (PMID: 33471991; Leiden Open Variation Database DB-ID BRCA2_000240) and in a multifactorial analysis with family history, pathology, and co-segregation likelihood ratios for pathogenicity of 0.15, 0.61, and 0.03, respectively (PMID: 34597585). This variant has not been identified in the general population by the Genome Aggregation Database (gnomAD). The available evidence is insufficient to determine the role of this variant in disease conclusively. Therefore, this variant is classified as a Variant of Uncertain Significance.

Baylor Genetics
Classification: Uncertain significance for Familial cancer of breast. Last evaluated: 2023-06-29. Review status: criteria provided, single submitter. Criteria: ACMG Guidelines, 2015. Collection method: clinical testing. Allele origin: unknown.

Sema4
Classification: Uncertain significance for Hereditary cancer-predisposing syndrome. Last evaluated: 2021-06-01. Review status: criteria provided, single submitter. Criteria: Sema4 Curation Guidelines. Collection method: curation. Allele origin: germline.
Comment: The BRCA2 c.7915C>G (p.P2639A) variant has been reported in heterozygosity in at least one individual with breast cancer (PMID: 28993434), but has also been found in healthy controls (PMID: 33471991, FLOSSIES database). A homology-directed repair assay demonstrated the normal repair function of the protein (PMID: 29394989). This is in contrast to in silico tool predictions, which suggest a deleterious effect of the variant on protein function. The variant is not reported in the population database Genome Aggregation Database (PMID: 32461654) but has been reported in ClinVar (Variation ID: 52434). The overall evidence is inconsistent with ACMG/AMP requirements for a classification of benign or pathogenic. In summary, the clinical significance of this variant is currently uncertain.

Ambry Genetics
Classification: Likely benign for Hereditary cancer-predisposing syndrome. Last evaluated: 2020-02-26. Review status: criteria provided, single submitter. Criteria: Ambry Variant Classification Scheme 2023. Collection method: clinical testing. Allele origin: germline.

Sharing Clinical Reports Project (SCRP)
Classification: Uncertain significance for Breast-ovarian cancer, familial 2. Last evaluated: 2008-08-04. Review status: no assertion criteria provided. Collection method: clinical testing. Allele origin: germline. Not counted in ClinVar's aggregate classification.

Breast Cancer Information Core (BIC) (BRCA2)
Classification: Uncertain significance for Breast-ovarian cancer, familial 2. Last evaluated: 2002-05-29. Review status: no assertion criteria provided. Collection method: clinical testing. Allele origin: germline. Affected: yes. Observed: 1 variant allele. Not counted in ClinVar's aggregate classification.

Literature cited by the submitters: PubMed 33609447 (cited by Labcorp Genetics (formerly Invitae), Labcorp); PubMed 29394989 (cited by 5 submitters); PubMed 33471991 (cited by 3 submitters); PubMed 34597585 (cited by All of Us Research Program, National Institutes of Health and Color Diagnostics, LLC DBA Color Health); PubMed 35736817 (cited by All of Us Research Program, National Institutes of Health and Color Diagnostics, LLC DBA Color Health); PubMed 28993434 (cited by Sema4 and Ambry Genetics); PubMed 19043619 (cited by Ambry Genetics); PubMed 29884841 (cited by Ambry Genetics).

NM_000059.4(BRCA2):c.7915C>G (p.Pro2639Ala)

Gene: BRCA2 (BRCA2 DNA repair associated; plus strand). Cytogenetic location: 13q13.1.
Variant type: single nucleotide variant.
Coding change: c.7915C>G on transcript NM_000059.4 (MANE Select); coding-DNA position 7915, C replaced by G.
Protein change: p.Pro2639Ala; replaces proline 2639 with alanine.
Molecular consequence: missense variant.
Genome position (GRCh38, 1-based): chr13:32,362,632, C>G. VCF-style: chr13-32362632-C-G. GRCh37 (hg19) VCF-style: chr13-32936769-C-G.
Other names: 8143C>G; short protein forms P2639A.
Identifiers: ClinVar variation 52434 (VCV000052434.22), dbSNP rs80359017, ClinGen allele CA025334.